The following is an entry in ClinVar:

ClinVar aggregate classification (germline): Uncertain significance. Review status: criteria provided, multiple submitters, no conflicts (2 of 4 stars). 2 submissions from 2 submitters: Uncertain significance (2). Last evaluated 2025-05-06.

Allele frequency attached by ClinVar (database versions not stated): gnomAD exomes 0.00001; TOPMed 0.00001; ExAC 0.00002; gnomAD 0.00002 and 0.00003.
gnomAD v4.1: 35 of 1,600,506 alleles (0.0022%); highest among the groups gnomAD compares: Middle Eastern, 0.017%; 1 homozygote.

Submissions (2):

Ambry Genetics
Classification: Uncertain significance. Last evaluated: 2025-05-06. Review status: criteria provided, single submitter. Criteria: Ambry Variant Classification Scheme 2023. Collection method: clinical testing. Allele origin: germline.

Labcorp Genetics (formerly Invitae), Labcorp
Classification: Uncertain significance. Last evaluated: 2023-08-04. Review status: criteria provided, single submitter. Criteria: Invitae Variant Classification Sherloc (09022015). Collection method: clinical testing. Allele origin: germline.
Comment: In summary, the available evidence is currently insufficient to determine the role of this variant in disease. Therefore, it has been classified as a Variant of Uncertain Significance. An algorithm developed to predict the effect of missense changes on protein structure and function (PolyPhen-2) suggests that this variant is likely to be tolerated. ClinVar contains an entry for this variant (Variation ID: 1437716). This variant has not been reported in the literature in individuals affected with FSCN2-related conditions. The frequency data for this variant in the population databases is considered unreliable, as metrics indicate poor data quality at this position in the gnomAD database. This sequence change replaces alanine, which is neutral and non-polar, with valine, which is neutral and non-polar, at codon 57 of the FSCN2 protein (p.Ala57Val).

NM_012418.4(FSCN2):c.170C>T (p.Ala57Val)

Gene: FSCN2 (fascin actin-bundling protein 2, retinal; plus strand). Cytogenetic location: 17q25.3.
Variant type: single nucleotide variant.
Coding change: c.170C>T on transcript NM_012418.4 (MANE Select); coding-DNA position 170, C replaced by T.
Protein change: p.Ala57Val; replaces alanine 57 with valine.
Molecular consequence: missense variant.
Genome position (GRCh38, 1-based): chr17:81,528,701, C>T. VCF-style: chr17-81528701-C-T. GRCh37 (hg19) VCF-style: chr17-79495727-C-T.
Other names: c.170C>T (NM_001077182.2); c.170C>T, p.Ala57Val (NM_001077182.3); short protein forms A57V.
Identifiers: ClinVar variation 1437716 (VCV001437716.8), dbSNP rs782634723, ClinGen allele CA8836602.